The following is an entry in ClinVar:

ClinVar aggregate classification (germline): Uncertain significance (1 of 4 stars; one submission).

Conditions:
Capillary malformation-arteriovenous malformation syndrome. Also called: Capillary malformation-arteriovenous malformation. Identifiers: Orphanet 137667, MedGen C1842180, MONDO:0012016.

Allele frequency attached by ClinVar (database versions not stated): gnomAD exomes below 0.00001.
gnomAD v4.1: 1 of 1,613,678 alleles (0.000062%); highest among the groups gnomAD compares: Non-Finnish European, 0.000085%; no homozygotes.

Submission:

Labcorp Genetics (formerly Invitae), Labcorp
Classification: Uncertain significance for Capillary malformation-arteriovenous malformation syndrome. Last evaluated: 2021-03-21. Review status: criteria provided, single submitter. Criteria: Invitae Variant Classification Sherloc (09022015). Collection method: clinical testing. Allele origin: germline.
Comment: In summary, the available evidence is currently insufficient to determine the role of this variant in disease. Therefore, it has been classified as a Variant of Uncertain Significance. Algorithms developed to predict the effect of sequence changes on RNA splicing suggest that this variant may create or strengthen a splice site, but this prediction has not been confirmed by published transcriptional studies. Algorithms developed to predict the effect of missense changes on protein structure and function are either unavailable or do not agree on the potential impact of this missense change (SIFT: "Tolerated"; PolyPhen-2: "Possibly Damaging"; Align-GVGD: "Class C0"). This variant has not been reported in the literature in individuals with RASA1-related conditions. This variant is not present in population databases (ExAC no frequency). This sequence change replaces glycine with serine at codon 104 of the RASA1 protein (p.Gly104Ser). The glycine residue is weakly conserved and there is a small physicochemical difference between glycine and serine.

NM_002890.3(RASA1):c.310G>A (p.Gly104Ser)

Gene: RASA1 (RAS p21 protein activator 1; plus strand). Cytogenetic location: 5q14.3.
Variant type: single nucleotide variant.
Coding change: c.310G>A on transcript NM_002890.3 (MANE Select); coding-DNA position 310, G replaced by A.
Protein change: p.Gly104Ser; replaces glycine 104 with serine.
Molecular consequence: missense variant.
Genome position (GRCh38, 1-based): chr5:87,268,761, G>A. VCF-style: chr5-87268761-G-A. GRCh37 (hg19) VCF-style: chr5-86564578-G-A.
Other names: short protein forms G104S.
Identifiers: ClinVar variation 1518016 (VCV001518016.8), dbSNP rs2112222798, ClinGen allele CA360417147.